The following is an entry in ClinVar:

NM_003673.4(TCAP):c.209G>A (p.Arg70Gln)

Gene: TCAP (titin-cap; plus strand). Cytogenetic location: 17q12.
Variant type: single nucleotide variant.
Coding change: c.209G>A on transcript NM_003673.4 (MANE Select); coding-DNA position 209, G replaced by A.
Protein change: p.Arg70Gln; replaces arginine 70 with glutamine.
Molecular consequence: missense variant.
Genome position (GRCh38, 1-based): chr17:39,665,814, G>A. VCF-style: chr17-39665814-G-A. GRCh37 (hg19) VCF-style: chr17-37822067-G-A.
Other names: p.R70Q:CGG>CAG; short protein forms R70Q.
Identifiers: ClinVar variation 202110 (VCV000202110.32), dbSNP rs552865793, ClinGen allele CA308840.

ClinVar aggregate classification (germline): Uncertain significance. Review status: criteria provided, multiple submitters, no conflicts (2 of 4 stars). 11 submissions from 11 submitters: Uncertain significance (9). 2 of the submissions do not count toward it. Last evaluated 2026-04-29.

Conditions:
TCAP-related disorder. Also called: TCAP-related condition.
Cardiovascular phenotype. Identifiers: MedGen CN230736.
Hypertrophic cardiomyopathy 25 (CMH25). Also called: CARDIOMYOPATHY, FAMILIAL HYPERTROPHIC, 25. Identifiers: MedGen C4225408, MONDO:0011843, OMIM 607487.
Primary familial hypertrophic cardiomyopathy (HCM). Identifiers: Orphanet 99739, MedGen C0949658, MeSH D024741, MONDO:0024573. Inheritance: Various modes of inheritance.
Autosomal recessive limb-girdle muscular dystrophy type 2G (LGMDR7). Also called: Telethoninopathy; Limb-girdle muscular dystrophy, type 2G; MUSCULAR DYSTROPHY, LIMB-GIRDLE, AUTOSOMAL RECESSIVE 7. Identifiers: Orphanet 34514, MedGen C1866008, MONDO:0011170, OMIM 601954.

Allele frequency attached by ClinVar (database versions not stated): ExAC 0.00002; gnomAD exomes 0.00002; gnomAD 0.00011 and 0.00012; TOPMed 0.00027.

Submissions (11):

PreventionGenetics, part of Exact Sciences
Classification: Uncertain significance for TCAP-related condition. Last evaluated: 2026-04-29. Review status: criteria provided, single submitter. Criteria: ACMG Guidelines, 2015. Collection method: clinical testing. Allele origin: germline.
Comment: The TCAP c.209G>A variant is predicted to result in the amino acid substitution p.Arg70Gln. This variant was reported as a variant of uncertain significance in an individual with noncompaction cardiomyopathy (Online Table 3, van Waning et al. 2018. PubMed ID: 29447731). This variant is reported in 0.0060% of alleles in individuals of Latino descent in gnomAD. At this time, the clinical significance of this variant is uncertain due to the absence of conclusive functional and genetic evidence.

Labcorp Genetics (formerly Invitae), Labcorp
Classification: Uncertain significance for Hypertrophic cardiomyopathy 25; Primary familial hypertrophic cardiomyopathy. Last evaluated: 2026-01-22. Review status: criteria provided, single submitter. Criteria: Invitae Variant Classification Sherloc (09022015). Collection method: clinical testing. Allele origin: germline.
Comment: This sequence change replaces arginine, which is basic and polar, with glutamine, which is neutral and polar, at codon 70 of the TCAP protein (p.Arg70Gln). This variant is present in population databases (rs552865793, gnomAD 0.006%). This missense change has been observed in individual(s) with clinical features of TCAP-related conditions (PMID: 29447731). ClinVar contains an entry for this variant (Variation ID: 202110). An algorithm developed to predict the effect of missense changes on protein structure and function (PolyPhen-2) suggests that this variant is likely to be disruptive. In summary, the available evidence is currently insufficient to determine the role of this variant in disease. Therefore, it has been classified as a Variant of Uncertain Significance.

GeneDx
Classification: Uncertain significance. Last evaluated: 2025-08-01. Review status: criteria provided, single submitter. Criteria: GeneDx Variant Classification Process June 2021. Collection method: clinical testing. Allele origin: germline. Affected: yes.
Comment: Identified in a patient with non-compaction cardiomyopathy (NCCM) in published literature (PMID: 29447731); Not observed at significant frequency in large population cohorts (gnomAD); Missense variants in this gene are a common cause of disease and they are underrepresented in the general population; In silico analysis suggests that this missense variant does not alter protein structure/function; This variant is associated with the following publications: (PMID: 16490376, 29447731)

Ambry Genetics
Classification: Uncertain significance for Cardiovascular phenotype. Last evaluated: 2024-11-10. Review status: criteria provided, single submitter. Criteria: Ambry Variant Classification Scheme 2023. Collection method: clinical testing. Allele origin: germline.

Blueprint Genetics
Classification: Uncertain significance. Last evaluated: 2024-10-09. Review status: criteria provided, single submitter. Criteria: ACMG Guidelines, 2015. Collection method: clinical testing. Allele origin: germline.

Women's Health and Genetics/Laboratory Corporation of America, LabCorp
Classification: Uncertain significance. Last evaluated: 2023-11-07. Review status: criteria provided, single submitter. Criteria: LabCorp Variant Classification Summary - May 2015. Collection method: clinical testing. Allele origin: germline.
Comment: Variant summary: TCAP c.209G>A (p.Arg70Gln) results in a conservative amino acid change in the encoded protein sequence. Four of five in-silico tools predict a damaging effect of the variant on protein function. The variant allele was found at a frequency of 2.1e-05 in 239030 control chromosomes (gnomAD). The available data on variant occurrences in the general population are insufficient to allow any conclusion about variant significance. c.209G>A has been reported in the literature in at least one individual affected with noncompaction cardiomyopathy (vanWaning_2018) as well as individuals with clinically suspected-Limb-girdle muscular dystrophies (Nallamilli_2018), however without strong evidence for causality (e.g., lack of co-segregation data). These reports therefore do not provide unequivocal conclusions about association of the variant with Cardiomyopathy. To our knowledge, no experimental evidence demonstrating an impact on protein function has been reported. The following publications have been ascertained in the context of this evaluation (PMID: 29447731, 30564623). Six submitters have reported clinical-significance assessments for this variant to ClinVar after 2014. All submitters classified the variant as uncertain significance. Based on the evidence outlined above, the variant was classified as uncertain significance.

Revvity Omics, Revvity
Classification: Uncertain significance. Last evaluated: 2023-08-16. Review status: criteria provided, single submitter. Criteria: ACMG Guidelines, 2015. Collection method: clinical testing. Allele origin: germline.

Fulgent Genetics
Classification: Uncertain significance for Autosomal recessive limb-girdle muscular dystrophy type 2G; Hypertrophic cardiomyopathy 25. Last evaluated: 2021-08-17. Review status: criteria provided, single submitter. Criteria: ACMG Guidelines, 2015. Collection method: clinical testing. Allele origin: unknown.

Eurofins Ntd Llc (ga)
Classification: Uncertain significance. Last evaluated: 2016-04-20. Review status: criteria provided, single submitter. Criteria: EGL Classification Definitions 2015. Collection method: clinical testing. Allele origin: germline. Observed: 3 variant alleles, 3 heterozygotes.

Diagnostic Laboratory, Department of Genetics, University Medical Center Groningen
Classification: Uncertain significance. Review status: no assertion criteria provided. Collection method: clinical testing. Allele origin: germline. Affected: yes. Study: VKGL Data-share Consensus. Not counted in ClinVar's aggregate classification.

Joint Genome Diagnostic Labs from Nijmegen and Maastricht, Radboudumc and MUMC+
Classification: Uncertain significance. Review status: no assertion criteria provided. Collection method: clinical testing. Allele origin: germline. Affected: yes. Study: VKGL Data-share Consensus. Not counted in ClinVar's aggregate classification.

Literature cited by the submitters: PubMed 29447731 (cited by Labcorp Genetics (formerly Invitae), Labcorp and Women's Health and Genetics/Laboratory Corporation of America, LabCorp); PubMed 30564623 (cited by Women's Health and Genetics/Laboratory Corporation of America, LabCorp).